The following is an entry in ClinVar:

NM_001372.4(DNAH9):c.11635G>A (p.Val3879Met)

Gene: DNAH9 (dynein axonemal heavy chain 9; plus strand). Cytogenetic location: 17p12.
Variant type: single nucleotide variant.
Coding change: c.11635G>A on transcript NM_001372.4 (MANE Select); coding-DNA position 11635, G replaced by A.
Protein change: p.Val3879Met; replaces valine 3879 with methionine.
Molecular consequence: missense variant.
Genome position (GRCh38, 1-based): chr17:11,905,695, G>A. VCF-style: chr17-11905695-G-A. GRCh37 (hg19) VCF-style: chr17-11809012-G-A.
Other names: c.571G>A, p.Val191Met (NM_004662.2); short protein forms V3879M, V191M.
Identifiers: ClinVar variation 1936183 (VCV001936183.5), dbSNP rs760242503, ClinGen allele CA8397904.

ClinVar aggregate classification (germline): Uncertain significance (1 of 4 stars; one submission).

Allele frequency attached by ClinVar (database versions not stated): gnomAD 0.00001; TOPMed 0.00001; ExAC 0.00002.
gnomAD v4.1: 25 of 1,613,902 alleles (0.0015%); highest among the groups gnomAD compares: South Asian, 0.0022%; no homozygotes.

Submission:

Labcorp Genetics (formerly Invitae), Labcorp
Classification: Uncertain significance. Last evaluated: 2024-11-05. Review status: criteria provided, single submitter. Criteria: Invitae Variant Classification Sherloc (09022015). Collection method: clinical testing. Allele origin: germline.
Comment: This sequence change replaces valine, which is neutral and non-polar, with methionine, which is neutral and non-polar, at codon 3879 of the DNAH9 protein (p.Val3879Met). This variant is present in population databases (rs760242503, gnomAD 0.004%). This variant has not been reported in the literature in individuals affected with DNAH9-related conditions. ClinVar contains an entry for this variant (Variation ID: 1936183). Invitae Evidence Modeling of protein sequence and biophysical properties (such as structural, functional, and spatial information, amino acid conservation, physicochemical variation, residue mobility, and thermodynamic stability) indicates that this missense variant is not expected to disrupt DNAH9 protein function with a negative predictive value of 80%. In summary, the available evidence is currently insufficient to determine the role of this variant in disease. Therefore, it has been classified as a Variant of Uncertain Significance.